The following is an entry in ClinVar:

NM_023110.3(FGFR1):c.2186+2T>G

Gene: FGFR1 (fibroblast growth factor receptor 1; minus strand). Cytogenetic location: 8p11.23.
Variant type: single nucleotide variant.
Coding change: c.2186+2T>G on transcript NM_023110.3 (MANE Select); the canonical splice donor site of the intron after coding-DNA position 2186, T replaced by G.
Molecular consequence: splice donor variant.
Genome position (GRCh38, 1-based): chr8:38,414,150, A>C on the plus strand (T>G on the coding strand, the complement: FGFR1 is on the minus strand). VCF-style: chr8-38414150-A-C. GRCh37 (hg19) VCF-style: chr8-38271668-A-C.
Other names: c.1907+2T>G (NM_001354368.2); c.1913+2T>G (NM_001354370.2, NM_023106.3); c.1919+2T>G (NM_023105.3, NM_001174066.2); c.2180+2T>G (NM_001354367.2, NM_015850.4, NM_001174063.2 and 1 more transcripts); c.2156+2T>G (NM_001174064.2); c.2174+2T>G (NM_001354369.2, NM_001410922.1); c.2279+2T>G (NM_001174067.2).
Identifiers: ClinVar variation 3759309 (VCV003759309.2).

ClinVar aggregate classification (germline): Likely pathogenic (1 of 4 stars; one submission).

Conditions:
Pfeiffer syndrome (ACS5). Also called: ACS V. Identifiers: Orphanet 710, MedGen C0220658, MONDO:0007043, OMIM 101600.
Hypogonadotropic hypogonadism 2 with or without anosmia (HH2). Also called: FGFR1-Related GnRH Deficiency (Kallmann Syndrome 2); HYPOGONADOTROPIC HYPOGONADISM 2 WITHOUT ANOSMIA; HYPOGONADOTROPIC HYPOGONADISM 2 WITH OR WITHOUT ANOSMIA, SUSCEPTIBILITY TO; HYPOGONADOTROPIC HYPOGONADISM 2 WITHOUT ANOSMIA, SUSCEPTIBILITY TO. Identifiers: Orphanet 478, MedGen C1563720, MONDO:0007844, OMIM 147950. Disease mechanism: loss of function.

Submission:

Labcorp Genetics (formerly Invitae), Labcorp
Classification: Likely pathogenic for Pfeiffer syndrome; Hypogonadotropic hypogonadism 2 with or without anosmia. Last evaluated: 2024-09-29. Review status: criteria provided, single submitter. Criteria: Invitae Variant Classification Sherloc (09022015). Collection method: clinical testing. Allele origin: germline.
Comment: This sequence change affects a donor splice site in intron 16 of the FGFR1 gene. It is expected to disrupt RNA splicing. Variants that disrupt the donor or acceptor splice site typically lead to a loss of protein function (PMID: 16199547), and loss-of-function variants in FGFR1 are known to be pathogenic (PMID: 12627230). This variant is not present in population databases (gnomAD no frequency). This variant has not been reported in the literature in individuals affected with FGFR1-related conditions. Algorithms developed to predict the effect of sequence changes on RNA splicing suggest that this variant may disrupt the consensus splice site. In summary, the currently available evidence indicates that the variant is pathogenic, but additional data are needed to prove that conclusively. Therefore, this variant has been classified as Likely Pathogenic.

Literature cited by the submitters: PubMed 16199547; PubMed 12627230.